The following is an entry in ClinVar:

NM_017739.4(POMGNT1):c.874G>C (p.Asp292His)

Genes: POMGNT1 (protein O-linked mannose N-acetylglucosaminyltransferase 1 (beta 1,2-); minus strand), TSPAN1 (tetraspanin 1; plus strand). Cytogenetic location: 1p34.1.
Variant type: single nucleotide variant.
Coding change: c.874G>C on transcript NM_017739.4 (MANE Select); coding-DNA position 874, G replaced by C.
Protein change: p.Asp292His; replaces aspartic acid 292 with histidine.
Molecular consequence: missense variant.
Genome position (GRCh38, 1-based): chr1:46,194,279, C>G on the plus strand (G>C on the coding strand, the complement: POMGNT1 is on the minus strand). VCF-style: chr1-46194279-C-G. GRCh37 (hg19) VCF-style: chr1-46659951-C-G.
Other names: c.874G>C, p.Asp292His (NM_001243766.2, NM_001410783.1); c.808G>C, p.Asp270His (NM_001290129.3); c.445G>C, p.Asp149His (NM_001290130.2); short protein forms D270H, D149H, D292H.
Identifiers: ClinVar variation 1409099 (VCV001409099.5), dbSNP rs930277247, ClinGen allele CA21914449.
Genomic context (GRCh38, chr1:46,194,279, plus strand): 5'-CCCCCTGCTGAGCTGGGAAGGAGTCCAAACCTCACTGTCTTAAGGCCCCACTCACTGGGT[C>G]AGGGCTGAACTCGATGGGTGTGGGGTCCTTGCAGCTGCATACACTTCCATAGCCCTCAAC-3'
Protein context (NP_060209.4, residues 282-302): KDPTPIEFSP[Asp292His]PLPDNKVLNV

ClinVar aggregate classification (germline): Uncertain significance (1 of 4 stars; one submission).

Conditions:
Autosomal recessive limb-girdle muscular dystrophy type 2O. Also called: Limb-Girdle Muscular Dystrophy Type 3C; MUSCULAR DYSTROPHY-DYSTROGLYCANOPATHY (LIMB-GIRDLE), TYPE C, 3; MUSCULAR DYSTROPHY-DYSTROGLYCANOPATHY, LIMB-GIRDLE, POMGNT1-RELATED. Identifiers: Orphanet 206564, MedGen C3150417, MONDO:0013161, OMIM 613157.
Muscular dystrophy-dystroglycanopathy (congenital with impaired intellectual development), type B, 3. Also called: MUSCULAR DYSTROPHY, CONGENITAL, POMGNT1-RELATED; Muscular dystrophy-dystroglycanopathy (congenital with intellectual disability), type B3. Identifiers: MedGen C3150412, MONDO:0013155, OMIM 613151.

Allele frequency attached by ClinVar (database versions not stated): gnomAD exomes 0.00001.
gnomAD v4.1: 11 of 1,614,176 alleles (0.00068%); highest among the groups gnomAD compares: Non-Finnish European, 0.00085%; no homozygotes.

Submission:

Labcorp Genetics (formerly Invitae), Labcorp
Classification: Uncertain significance for Autosomal recessive limb-girdle muscular dystrophy type 2O; Muscular dystrophy-dystroglycanopathy (congenital with impaired intellectual development), type B, 3. Last evaluated: 2021-08-26. Review status: criteria provided, single submitter. Criteria: Invitae Variant Classification Sherloc (09022015). Collection method: clinical testing. Allele origin: germline.
Comment: This sequence change replaces aspartic acid with histidine at codon 292 of the POMGNT1 protein (p.Asp292His). The aspartic acid residue is moderately conserved and there is a moderate physicochemical difference between aspartic acid and histidine. This variant is not present in population databases (ExAC no frequency). This variant has not been reported in the literature in individuals affected with POMGNT1-related conditions. Algorithms developed to predict the effect of missense changes on protein structure and function are either unavailable or do not agree on the potential impact of this missense change (SIFT: "Deleterious"; PolyPhen-2: "Possibly Damaging"; Align-GVGD: "Class C0"). In summary, the available evidence is currently insufficient to determine the role of this variant in disease. Therefore, it has been classified as a Variant of Uncertain Significance.